The following is an entry in ClinVar:

NM_000521.4(HEXB):c.811G>A (p.Val271Ile)

Gene: HEXB (hexosaminidase subunit beta; plus strand). Cytogenetic location: 5q13.3.
Variant type: single nucleotide variant.
Coding change: c.811G>A on transcript NM_000521.4 (MANE Select); coding-DNA position 811, G replaced by A.
Protein change: p.Val271Ile; replaces valine 271 with isoleucine.
Molecular consequence: missense variant.
Genome position (GRCh38, 1-based): chr5:74,713,545, G>A. VCF-style: chr5-74713545-G-A. GRCh37 (hg19) VCF-style: chr5-74009370-G-A.
Other names: c.136G>A, p.Val46Ile (NM_001292004.2); short protein forms V46I, V271I.
Identifiers: ClinVar variation 2158716 (VCV002158716.4), dbSNP rs776414804, ClinGen allele CA3305953.

ClinVar aggregate classification (germline): Uncertain significance (1 of 4 stars; one submission).

Conditions:
Sandhoff disease. Also called: GM2-GANGLIOSIDOSIS, TYPE II; HEXOSAMINIDASES A AND B DEFICIENCY; Beta-hexosaminidase-beta-subunit deficiency; GM2 gangliosidosis, type 2; Total hexosaminidase deficiency; Sandhoff-Jatzkewitz-Pilz disease. Identifiers: Orphanet 796, MedGen C0036161, MONDO:0010006, OMIM 268800.

Allele frequency attached by ClinVar (database versions not stated): ExAC 0.00001; gnomAD exomes 0.00001.
gnomAD v4.1: 4 of 1,608,374 alleles (0.00025%); highest among the groups gnomAD compares: Admixed American, 0.0067%; no homozygotes.

Submission:

Labcorp Genetics (formerly Invitae), Labcorp
Classification: Uncertain significance for Sandhoff disease. Last evaluated: 2024-05-07. Review status: criteria provided, single submitter. Criteria: Invitae Variant Classification Sherloc (09022015). Collection method: clinical testing. Allele origin: germline.
Comment: This sequence change replaces valine, which is neutral and non-polar, with isoleucine, which is neutral and non-polar, at codon 271 of the HEXB protein (p.Val271Ile). This variant is present in population databases (rs776414804, gnomAD 0.01%). This variant has not been reported in the literature in individuals affected with HEXB-related conditions. ClinVar contains an entry for this variant (Variation ID: 2158716). Advanced modeling of protein sequence and biophysical properties (such as structural, functional, and spatial information, amino acid conservation, physicochemical variation, residue mobility, and thermodynamic stability) performed at Invitae indicates that this missense variant is not expected to disrupt HEXB protein function with a negative predictive value of 80%. In summary, the available evidence is currently insufficient to determine the role of this variant in disease. Therefore, it has been classified as a Variant of Uncertain Significance.